The following is an entry in ClinVar:

NM_021098.3(CACNA1H):c.4549G>A (p.Val1517Met)

Gene: CACNA1H (calcium voltage-gated channel subunit alpha1 H; plus strand). Cytogenetic location: 16p13.3.
Variant type: single nucleotide variant.
Coding change: c.4549G>A on transcript NM_021098.3 (MANE Select); coding-DNA position 4549, G replaced by A.
Protein change: p.Val1517Met; replaces valine 1517 with methionine.
Molecular consequence: missense variant.
Genome position (GRCh38, 1-based): chr16:1,211,788, G>A. VCF-style: chr16-1211788-G-A. GRCh37 (hg19) VCF-style: chr16-1261788-G-A.
Other names: c.4549G>A, p.Val1517Met (NM_001005407.2); short protein forms V1517M.
Identifiers: ClinVar variation 1384462 (VCV001384462.7), dbSNP rs778002223, ClinGen allele CA7801404.

ClinVar aggregate classification (germline): Uncertain significance. Review status: criteria provided, multiple submitters, no conflicts (2 of 4 stars). 2 submissions from 2 submitters: Uncertain significance (2). Last evaluated 2022-03-09.

Conditions:
Idiopathic generalized epilepsy. Also called: Generalised epilepsy; EIG. Identifiers: MedGen C0270850, MONDO:0005579, OMIM 600669.
Hyperaldosteronism, familial, type IV (HALD4). Also called: FH IV; ALDOSTERONISM, PRIMARY, AND HYPERTENSION. Identifiers: Orphanet 642671, MedGen C4310756, MONDO:0014875, OMIM 617027.
Epilepsy, childhood absence, susceptibility to, 6. Identifiers: Orphanet 64280, MedGen C2749872, MONDO:0012763, OMIM 611942.

Allele frequency attached by ClinVar (database versions not stated): gnomAD 0.00002; gnomAD exomes 0.00002 and 0.00003; TOPMed 0.00002; ExAC 0.00003.
gnomAD v4.1: 31 of 1,612,506 alleles (0.0019%); highest among the groups gnomAD compares: South Asian, 0.013%; no homozygotes.

Submissions (2):

Fulgent Genetics
Classification: Uncertain significance for Epilepsy, childhood absence, susceptibility to, 6; Hyperaldosteronism, familial, type IV. Last evaluated: 2022-03-09. Review status: criteria provided, single submitter. Criteria: ACMG Guidelines, 2015. Collection method: clinical testing. Allele origin: unknown.

Labcorp Genetics (formerly Invitae), Labcorp
Classification: Uncertain significance for Idiopathic generalized epilepsy; Hyperaldosteronism, familial, type IV. Last evaluated: 2021-01-20. Review status: criteria provided, single submitter. Criteria: Invitae Variant Classification Sherloc (09022015). Collection method: clinical testing. Allele origin: germline.
Comment: Algorithms developed to predict the effect of missense changes on protein structure and function are either unavailable or do not agree on the potential impact of this missense change (SIFT: "Deleterious"; PolyPhen-2: "Probably Damaging"; Align-GVGD: "Class C15"). This variant has not been reported in the literature in individuals with CACNA1H-related conditions. This variant is present in population databases (rs778002223, ExAC 0.01%). This sequence change replaces valine with methionine at codon 1517 of the CACNA1H protein (p.Val1517Met). The valine residue is highly conserved and there is a small physicochemical difference between valine and methionine. In summary, the available evidence is currently insufficient to determine the role of this variant in disease. Therefore, it has been classified as a Variant of Uncertain Significance.